The following is an entry in ClinVar:

ClinVar aggregate classification (germline): Uncertain significance. Review status: criteria provided, multiple submitters, no conflicts (2 of 4 stars). 3 submissions from 3 submitters: Uncertain significance (3). Last evaluated 2026-04-12.

Conditions:
MPZ-related disorder. Also called: MPZ-related disorders; MPZ-related condition.
Inborn genetic diseases. Identifiers: MedGen C0950123, MeSH D030342.
Charcot-Marie-Tooth disease, type I (CMT1). Also called: Charcot-Marie-Tooth, Type 1; Charcot-Marie-Tooth disease type 1. Identifiers: Orphanet 65753, MedGen C0751036, MONDO:0019011.

Allele frequency attached by ClinVar (database versions not stated): gnomAD exomes below 0.00001 and 0.00001; ExAC 0.00001; gnomAD 0.00001; TOPMed 0.00002.
gnomAD v4.1: 4 of 1,614,058 alleles (0.00025%); highest among the groups gnomAD compares: Admixed American, 0.0067%; no homozygotes.

Submissions (3):

PreventionGenetics, part of Exact Sciences
Classification: Uncertain significance for MPZ-related condition. Last evaluated: 2026-04-12. Review status: criteria provided, single submitter. Criteria: ACMG Guidelines, 2015. Collection method: clinical testing. Allele origin: germline.
Comment: The MPZ c.505G>T variant is predicted to result in the amino acid substitution p.Val169Leu. To our knowledge, this variant has not been reported in the literature. This variant is reported in 0.0087% of alleles in individuals of Latino descent in gnomAD. At this time, the clinical significance of this variant is uncertain due to the absence of conclusive functional and genetic evidence.

Labcorp Genetics (formerly Invitae), Labcorp
Classification: Uncertain significance for Charcot-Marie-Tooth disease, type I. Last evaluated: 2024-09-01. Review status: criteria provided, single submitter. Criteria: Invitae Variant Classification Sherloc (09022015). Collection method: clinical testing. Allele origin: germline.
Comment: This sequence change replaces valine, which is neutral and non-polar, with leucine, which is neutral and non-polar, at codon 169 of the MPZ protein (p.Val169Leu). This variant is present in population databases (rs776316386, gnomAD 0.009%). This variant has not been reported in the literature in individuals affected with MPZ-related conditions. ClinVar contains an entry for this variant (Variation ID: 846763). Invitae Evidence Modeling of protein sequence and biophysical properties (such as structural, functional, and spatial information, amino acid conservation, physicochemical variation, residue mobility, and thermodynamic stability) indicates that this missense variant is not expected to disrupt MPZ protein function with a negative predictive value of 80%. In summary, the available evidence is currently insufficient to determine the role of this variant in disease. Therefore, it has been classified as a Variant of Uncertain Significance.

Ambry Genetics
Classification: Uncertain significance for Inborn genetic diseases. Last evaluated: 2021-07-09. Review status: criteria provided, single submitter. Criteria: Ambry Variant Classification Scheme 2023. Collection method: clinical testing. Allele origin: germline.

NM_000530.8(MPZ):c.505G>T (p.Val169Leu)

Gene: MPZ (myelin protein zero; minus strand). Cytogenetic location: 1q23.3.
Variant type: single nucleotide variant.
Coding change: c.505G>T on transcript NM_000530.8 (MANE Select); coding-DNA position 505, G replaced by T.
Protein change: p.Val169Leu; replaces valine 169 with leucine.
Molecular consequence: missense variant.
Genome position (GRCh38, 1-based): chr1:161,306,408, C>A on the plus strand (G>T on the coding strand, the complement: MPZ is on the minus strand). VCF-style: chr1-161306408-C-A. GRCh37 (hg19) VCF-style: chr1-161276198-C-A.
Other names: c.505G>T (NM_000530.7); c.505G>T, p.Val169Leu (NM_001315491.2); short protein forms V169L.
Identifiers: ClinVar variation 846763 (VCV000846763.11), dbSNP rs776316386, ClinGen allele CA1210148.